The following is an entry in ClinVar:

ClinVar aggregate classification (germline): Uncertain significance (1 of 4 stars; one submission).

Submission:

GeneDx
Classification: Uncertain significance. Last evaluated: 2021-06-08. Review status: criteria provided, single submitter. Criteria: GeneDx Variant Classification Process June 2021. Collection method: clinical testing. Allele origin: germline. Affected: yes.
Comment: Not observed at significant frequency in large population cohorts (Lek et al., 2016); In silico analysis supports that this missense variant has a deleterious effect on protein structure/function; Has not been previously published as pathogenic or benign to our knowledge; This variant is associated with the following publications: (PMID: 27535533)

NM_006766.5(KAT6A):c.1212G>C (p.Lys404Asn)

Gene: KAT6A (lysine acetyltransferase 6A; minus strand). Cytogenetic location: 8p11.21.
Variant type: single nucleotide variant.
Coding change: c.1212G>C on transcript NM_006766.5 (MANE Select); coding-DNA position 1212, G replaced by C.
Protein change: p.Lys404Asn; replaces lysine 404 with asparagine.
Molecular consequence: missense variant.
Genome position (GRCh38, 1-based): chr8:41,977,159, C>G on the plus strand (G>C on the coding strand, the complement: KAT6A is on the minus strand). VCF-style: chr8-41977159-C-G. GRCh37 (hg19) VCF-style: chr8-41834677-C-G.
Other names: c.1212G>C, p.Lys404Asn (NM_001305878.2); short protein forms K404N.
Identifiers: ClinVar variation 1327765 (VCV001327765.2), dbSNP rs1824096489, ClinGen allele CA371075903.